The following is an entry in ClinVar:

ClinVar aggregate classification (germline): Uncertain significance (1 of 4 stars; one submission).

Allele frequency attached by ClinVar (database versions not stated): gnomAD exomes below 0.00001; ExAC 0.00001; gnomAD 0.00001; 1000 Genomes Project 0.00020; 1000 Genomes Project 30x 0.00031.
gnomAD v4.1: 1 of 1,613,888 alleles (0.000062%); highest among the groups gnomAD compares: East Asian, 0.0022%; no homozygotes.

Submission:

GeneDx
Classification: Uncertain significance. Last evaluated: 2022-01-28. Review status: criteria provided, single submitter. Criteria: GeneDx Variant Classification Process June 2021. Collection method: clinical testing. Allele origin: germline. Affected: yes.
Comment: Not observed at significant frequency in large population cohorts (gnomAD); In silico analysis supports that this missense variant does not alter protein structure/function; Has not been previously published as pathogenic or benign to our knowledge

NM_133261.3(GIPC3):c.723G>C (p.Glu241Asp)

Gene: GIPC3 (GIPC PDZ domain containing family member 3; plus strand). Cytogenetic location: 19p13.3.
Variant type: single nucleotide variant.
Coding change: c.723G>C on transcript NM_133261.3 (MANE Select); coding-DNA position 723, G replaced by C.
Protein change: p.Glu241Asp; replaces glutamic acid 241 with aspartic acid.
Molecular consequence: missense variant.
Genome position (GRCh38, 1-based): chr19:3,589,848, G>C. VCF-style: chr19-3589848-G-C. GRCh37 (hg19) VCF-style: chr19-3589846-G-C.
Other names: short protein forms E241D.
Identifiers: ClinVar variation 1699593 (VCV001699593.2), dbSNP rs200355546, ClinGen allele CA9080532.